The following is an entry in ClinVar:

ClinVar aggregate classification (germline): Uncertain significance (1 of 4 stars; one submission).

Submission:

GeneDx
Classification: Uncertain significance. Last evaluated: 2025-02-25. Review status: criteria provided, single submitter. Criteria: GeneDx Variant Classification Process June 2021. Collection method: clinical testing. Allele origin: germline. Affected: yes.
Comment: Not observed at significant frequency in large population cohorts (gnomAD); In silico analysis supports that this missense variant has a deleterious effect on protein structure/function; Has not been previously published as pathogenic or benign to our knowledge

NM_020987.5(ANK3):c.1415T>A (p.Met472Lys)

Gene: ANK3 (ankyrin 3; minus strand). Cytogenetic location: 10q21.2.
Variant type: single nucleotide variant.
Coding change: c.1415T>A on transcript NM_020987.5 (MANE Select); coding-DNA position 1415, T replaced by A.
Protein change: p.Met472Lys; replaces methionine 472 with lysine.
Molecular consequence: missense variant.
Genome position (GRCh38, 1-based): chr10:60,200,205, A>T on the plus strand (T>A on the coding strand, the complement: ANK3 is on the minus strand). VCF-style: chr10-60200205-A-T. GRCh37 (hg19) VCF-style: chr10-61959963-A-T.
Other names: c.1397T>A, p.Met466Lys (NM_001204403.2); c.1364T>A, p.Met455Lys (NM_001204404.2); c.1415T>A, p.Met472Lys (NM_001320874.2); short protein forms M455K, M466K, M472K.
Identifiers: ClinVar variation 4076564 (VCV004076564.1).